The following is an entry in ClinVar:

NC_000011.10:g.(?_108267161)_(108307994_?)del

Gene: ATM (ATM serine/threonine kinase; plus strand). Cytogenetic location: 11q22.3.
Variant type: Deletion.
Identifiers: ClinVar variation 833254 (VCV000833254.5).

ClinVar aggregate classification (germline): Pathogenic (1 of 4 stars; one submission).

Conditions:
Ataxia-telangiectasia syndrome (AT). Also called: Ataxia-telangiectasia, complementation group E; Ataxia telangiectasia (A-T); LOUIS-BAR SYNDROME; Ataxia-telangiectasia, complementation group D; AT, COMPLEMENTATION GROUP C; Ataxia-telangiectasia. Identifiers: Orphanet 100, MedGen C0004135, MONDO:0008840, OMIM 208900.

Submission:

Labcorp Genetics (formerly Invitae), Labcorp
Classification: Pathogenic for Ataxia-telangiectasia syndrome. Last evaluated: 2019-02-04. Review status: criteria provided, single submitter. Criteria: Invitae Variant Classification Sherloc (09022015). Collection method: clinical testing. Allele origin: germline.
Comment: For these reasons, this variant has been classified as Pathogenic. Loss-of-function variants in ATM are known to be pathogenic (PMID: 23807571, 25614872). This variant has not been reported in the literature in individuals with ATM-related conditions. This variant is an out-of-frame deletion of the genomic region encompassing exons 17-38 of the ATM gene. This is expected to create a premature translational stop signal and result in an absent or disrupted protein product.

Literature cited by the submitters: PubMed 23807571; PubMed 25614872.